The following is an entry in ClinVar:

NM_003560.4(PLA2G6):c.1435C>G (p.His479Asp)

Gene: PLA2G6 (phospholipase A2 group VI; minus strand). Cytogenetic location: 22q13.1.
Variant type: single nucleotide variant.
Coding change: c.1435C>G on transcript NM_003560.4 (MANE Select); coding-DNA position 1435, C replaced by G.
Protein change: p.His479Asp; replaces histidine 479 with aspartic acid.
Molecular consequence: missense variant.
Genome position (GRCh38, 1-based): chr22:38,123,251, G>C on the plus strand (C>G on the coding strand, the complement: PLA2G6 is on the minus strand). VCF-style: chr22-38123251-G-C. GRCh37 (hg19) VCF-style: chr22-38519258-G-C.
Other names: c.1273C>G, p.His425Asp (NM_001004426.3, NM_001199562.3, NM_001349865.2 and 1 more transcripts); c.1435C>G, p.His479Asp (NM_001349864.2); c.901C>G, p.His301Asp (NM_001349867.2); c.757C>G, p.His253Asp (NM_001349868.2); c.739C>G, p.His247Asp (NM_001349869.2); short protein forms H479D, H247D, H253D, H301D, H425D.
Identifiers: ClinVar variation 529507 (VCV000529507.12), dbSNP rs1235695530, ClinGen allele CA411528216.
Genomic context (GRCh38, chr22:38,123,251, plus strand): 5'-CGATGAGGAGCTGGATGATGATGAGGCCTTTCACTCCTCCTCCATCCAGGCACAGCAGGT[G>C]GTCGTGGCTGCAGTGGGAACAGCAGTGGGAGAGAGGAGGGTCCTGCCACAGCCCAGTACT-3'
Protein context (NP_003551.2, residues 469-489): SMRDEKRTHD[His479Asp]LLCLDGGGVK

ClinVar aggregate classification (germline): Pathogenic/Likely pathogenic. Review status: criteria provided, multiple submitters, no conflicts (2 of 4 stars). 4 submissions from 4 submitters: Pathogenic (1); Likely pathogenic (3). Last evaluated 2026-04-20.

Conditions:
Neurodegeneration with brain iron accumulation (NBIA). Identifiers: Orphanet 385, MedGen C2931845, MONDO:0018307.
Infantile neuroaxonal dystrophy (NBIA2A). Also called: Infantile neuroaxonal dystrophy 1; SEITELBERGER DISEASE; NEURODEGENERATION WITH BRAIN IRON ACCUMULATION 2A. Identifiers: Orphanet 35069, MedGen C0270724, MONDO:0024457, OMIM 256600.

Allele frequency attached by ClinVar (database versions not stated): gnomAD exomes below 0.00001.
gnomAD v4.1: 3 of 1,558,980 alleles (0.00019%); highest among the groups gnomAD compares: Non-Finnish European, 0.00017%; no homozygotes.

Submissions (4):

GeneDx
Classification: Likely pathogenic. Last evaluated: 2026-04-20. Review status: criteria provided, single submitter. Criteria: GeneDx Variant Classification Process June 2021. Collection method: clinical testing. Allele origin: germline.
Comment: Not observed at significant frequency in large population cohorts (gnomAD); In silico analysis suggests that this missense variant does not alter protein structure/function; This variant is associated with the following publications: (PMID: 30340910, 36233161, 30713958, 39843441, 35329915)

Labcorp Genetics (formerly Invitae), Labcorp
Classification: Pathogenic for Infantile neuroaxonal dystrophy. Last evaluated: 2025-09-27. Review status: criteria provided, single submitter. Criteria: Invitae Variant Classification Sherloc (09022015). Collection method: clinical testing. Allele origin: germline.
Comment: This sequence change replaces histidine, which is basic and polar, with aspartic acid, which is acidic and polar, at codon 479 of the PLA2G6 protein (p.His479Asp). This variant is present in population databases (no rsID available, gnomAD 0.001%). This missense change has been observed in individual(s) with clinical features of PLA2G6-related conditions (PMID: 30340910; internal data). In at least one individual the data is consistent with being in trans (on the opposite chromosome) from a pathogenic variant. ClinVar contains an entry for this variant (Variation ID: 529507). Invitae Evidence Modeling of protein sequence and biophysical properties (such as structural, functional, and spatial information, amino acid conservation, physicochemical variation, residue mobility, and thermodynamic stability) indicates that this missense variant is not expected to disrupt PLA2G6 protein function with a negative predictive value of 80%. For these reasons, this variant has been classified as Pathogenic.

Women's Health and Genetics/Laboratory Corporation of America, LabCorp
Classification: Likely pathogenic for Neurodegeneration with brain iron accumulation. Last evaluated: 2025-06-18. Review status: criteria provided, single submitter. Criteria: LabCorp Variant Classification Summary - May 2015. Collection method: clinical testing. Allele origin: germline.
Comment: Variant summary: PLA2G6 c.1435C>G (p.His479Asp) results in a non-conservative amino acid change in the encoded protein sequence. Algorithms developed to predict the effect of missense changes on protein structure and function are either unavailable or do not agree on the potential impact of this missense change. The variant allele was found at a frequency of 1.9e-06 in 1558980 control chromosomes. c.1435C>G has been observed in individuals affected with PLA2G6-associated neurodegeneration (Darling_2019, Vela-Desojo_2022, Labcorp (formerly Invitae)). These data indicate that the variant is likely to be associated with disease. To our knowledge, no experimental evidence demonstrating an impact on protein function has been reported. The following publications have been ascertained in the context of this evaluation (PMID: 30340910, 35329915). ClinVar contains an entry for this variant (Variation ID: 529507). Based on the evidence outlined above, the variant was classified as likely pathogenic.

3billion
Classification: Likely pathogenic for Infantile neuroaxonal dystrophy. Last evaluated: 2022-05-22. Review status: criteria provided, single submitter. Criteria: ACMG Guidelines, 2015. Collection method: clinical testing. Allele origin: germline. Affected: yes. Observed: 1 homozygote.
Comment: The variant is not observed in the gnomAD v2.1.1 dataset. Missense changes are a common disease-causing mechanism. In silico tool predictions suggest damaging effect of the variant on gene or gene product (REVEL: 0.12; 3Cnet: 0.89). Same nucleotide change resulting in same amino acid change has been previously reported to be associated with PLA2G6- related disorder (ClinVar ID: VCV000529507 / PMID: 30340910). The variant has been reported to be in trans with a pathogenic variant as either compound heterozygous or homozygous in at least one similarly affected unrelated individual (PMID: 30340910). Therefore, this variant is classified as likely pathogenic according to the recommendation of ACMG/AMP guideline.

Literature cited by the submitters: PubMed 30340910 (cited by 3 submitters); PubMed 35329915 (cited by Women's Health and Genetics/Laboratory Corporation of America, LabCorp).